The following is an entry in ClinVar:

ClinVar aggregate classification (germline): Uncertain significance (1 of 4 stars; one submission).

Conditions:
Bloom syndrome (BLM). Also called: Bloom-Torre-Machacek syndrome. Identifiers: Orphanet 125, MedGen C0005859, MONDO:0008876, OMIM 210900.

Submission:

Labcorp Genetics (formerly Invitae), Labcorp
Classification: Uncertain significance for Bloom syndrome. Last evaluated: 2025-08-07. Review status: criteria provided, single submitter. Criteria: Invitae Variant Classification Sherloc (09022015). Collection method: clinical testing. Allele origin: germline.
Comment: This sequence change replaces leucine, which is neutral and non-polar, with valine, which is neutral and non-polar, at codon 525 of the BLM protein (p.Leu525Val). This variant is not present in population databases (gnomAD no frequency). This variant has not been reported in the literature in individuals affected with BLM-related conditions. ClinVar contains an entry for this variant (Variation ID: 1515852). Invitae Evidence Modeling of protein sequence and biophysical properties (such as structural, functional, and spatial information, amino acid conservation, physicochemical variation, residue mobility, and thermodynamic stability) indicates that this missense variant is not expected to disrupt BLM protein function with a negative predictive value of 80%. In summary, the available evidence is currently insufficient to determine the role of this variant in disease. Therefore, it has been classified as a Variant of Uncertain Significance.

NM_000057.4(BLM):c.1573C>G (p.Leu525Val)

Gene: BLM (BLM RecQ like helicase; plus strand). Cytogenetic location: 15q26.1.
Variant type: single nucleotide variant.
Coding change: c.1573C>G on transcript NM_000057.4 (MANE Select); coding-DNA position 1573, C replaced by G.
Protein change: p.Leu525Val; replaces leucine 525 with valine.
Molecular consequence: missense variant.
Genome position (GRCh38, 1-based): chr15:90,760,946, C>G. VCF-style: chr15-90760946-C-G. GRCh37 (hg19) VCF-style: chr15-91304176-C-G.
Other names: c.1573C>G, p.Leu525Val (NM_001287246.2, NM_001287247.2); c.448C>G, p.Leu150Val (NM_001287248.2); short protein forms L150V, L525V.
Identifiers: ClinVar variation 1515852 (VCV001515852.8), dbSNP rs2151158518, ClinGen allele CA393843358.